The following is an entry in ClinVar:

NM_000038.6(APC):c.5474A>C (p.Asp1825Ala)

Gene: APC (APC regulator of Wnt signaling pathway; plus strand). Cytogenetic location: 5q22.2.
Variant type: single nucleotide variant.
Coding change: c.5474A>C on transcript NM_000038.6 (MANE Select); coding-DNA position 5474, A replaced by C.
Protein change: p.Asp1825Ala; replaces aspartic acid 1825 with alanine.
Molecular consequence: missense variant.
Genome position (GRCh38, 1-based): chr5:112,841,068, A>C. VCF-style: chr5-112841068-A-C. GRCh37 (hg19) VCF-style: chr5-112176765-A-C.
Other names: c.5225A>C, p.Asp1742Ala (NM_001407454.1, NM_001407455.1, NM_001407456.1 and 1 more transcripts); c.5171A>C, p.Asp1724Ala (NM_001407458.1, NM_001407459.1, NM_001407460.1 and 1 more transcripts); c.5087A>C, p.Asp1696Ala (NM_001407467.1, NM_001407469.1); c.4625A>C, p.Asp1542Ala (NM_001407470.1, NM_001354906.2); c.5474A>C, p.Asp1825Ala (NM_001127510.3, NM_001354895.2, NM_001407450.1); c.5420A>C, p.Asp1807Ala (NM_001127511.3); c.5528A>C, p.Asp1843Ala (NM_001354896.2, NM_001407447.1, NM_001407448.1 and 1 more transcripts); c.5504A>C, p.Asp1835Ala (NM_001354897.2); and 12 more; short protein forms D1441A, D1734A, D1742A, D1807A, D1818A, D1825A, D1542A, D1665A.
Identifiers: ClinVar variation 2089451 (VCV002089451.4), dbSNP rs1554086747, ClinGen allele CA16033307.

ClinVar aggregate classification (germline): Uncertain significance. Review status: criteria provided, multiple submitters, no conflicts (2 of 4 stars). 2 submissions from 2 submitters: Uncertain significance (2). Last evaluated 2026-07-07.

Conditions:
Familial adenomatous polyposis 1 (FAP1). Also called: FAMILIAL ADENOMATOUS POLYPOSIS 1, ATTENUATED; POLYPOSIS, ADENOMATOUS INTESTINAL. Identifiers: MedGen C2713442, MONDO:0021056, OMIM 175100. Disease mechanism: loss of function.
Hereditary cancer-predisposing syndrome. Also called: Tumor predisposition; Hereditary Cancer Syndrome; Hereditary neoplastic syndrome; Neoplastic Syndromes, Hereditary. Identifiers: Orphanet 140162, MedGen C0027672, MeSH D009386, MONDO:0015356.

Submissions (2):

Ambry Genetics
Classification: Uncertain significance for Hereditary cancer-predisposing syndrome. Last evaluated: 2026-07-07. Review status: criteria provided, single submitter. Criteria: Ambry Variant Classification Scheme 2023. Collection method: clinical testing. Allele origin: germline.
Comment: The p.D1825A variant (also known as c.5474A>C), located in coding exon 15 of the APC gene, results from an A to C substitution at nucleotide position 5474. The aspartic acid at codon 1825 is replaced by alanine, an amino acid with dissimilar properties. This amino acid position is conserved. In addition, in silico predictors for this gene do not accurately predict pathogenicity. Based on the available evidence, the clinical significance of this variant remains unclear.

Labcorp Genetics (formerly Invitae), Labcorp
Classification: Uncertain significance for Familial adenomatous polyposis 1. Last evaluated: 2022-01-26. Review status: criteria provided, single submitter. Criteria: Invitae Variant Classification Sherloc (09022015). Collection method: clinical testing. Allele origin: germline.
Comment: This variant has not been reported in the literature in individuals affected with APC-related conditions. This sequence change replaces aspartic acid, which is acidic and polar, with alanine, which is neutral and non-polar, at codon 1825 of the APC protein (p.Asp1825Ala). This variant is not present in population databases (gnomAD no frequency). Algorithms developed to predict the effect of missense changes on protein structure and function are either unavailable or do not agree on the potential impact of this missense change (SIFT: "Deleterious"; PolyPhen-2: "Benign"; Align-GVGD: "Class C0"). In summary, the available evidence is currently insufficient to determine the role of this variant in disease. Therefore, it has been classified as a Variant of Uncertain Significance.